The following is an entry in ClinVar:

ClinVar aggregate classification (germline): Likely pathogenic (1 of 4 stars; one submission).

Submission:

Labcorp Genetics (formerly Invitae), Labcorp
Classification: Likely pathogenic. Last evaluated: 2022-06-10. Review status: criteria provided, single submitter. Criteria: Invitae Variant Classification Sherloc (09022015). Collection method: clinical testing. Allele origin: germline.
Comment: This variant results in a copy number gain of the genomic region encompassing exon(s) 29-30 of the LOXHD1 gene. While the exact position of this variant cannot be determined from the data, sub-genic copy number gains are generally in tandem (PMID: 25640679). This variant is predicted to be out-of-frame, and may result in an absent or disrupted protein product. Loss-of-function variants in LOXHD1 are known to be pathogenic (PMID: 19732867, 21465660, 25792669). This variant has not been reported in the literature in individuals affected with LOXHD1-related conditions. In summary, the currently available evidence indicates that the variant is pathogenic, but additional data are needed to prove that conclusively. Therefore, this variant has been classified as Likely Pathogenic.

Literature cited by the submitters: PubMed 25640679; PubMed 19732867; PubMed 21465660; PubMed 25792669.

NC_000018.9:g.(?_44104661)_(44109304_?)dup

Gene: LOXHD1 (lipoxygenase homology PLAT domains 1; minus strand). Cytogenetic location: 18q21.1.
Variant type: Duplication.
Identifiers: ClinVar variation 2427299 (VCV002427299.4).